The following is an entry in ClinVar:

ClinVar aggregate classification (germline): Likely benign (1 of 4 stars; one submission).

Conditions:
Catecholaminergic polymorphic ventricular tachycardia (CVPT). Also called: Catecholamine-induced polymorphic ventricular tachycardia. Identifiers: Orphanet 3286, MedGen C5574922, MONDO:0017990.

Submission:

All of Us Research Program, National Institutes of Health
Classification: Likely benign for Catecholaminergic polymorphic ventricular tachycardia. Last evaluated: 2024-07-29. Review status: criteria provided, single submitter. Criteria: ACMG Guidelines, 2015. Collection method: clinical testing. Allele origin: germline. Inheritance: Autosomal dominant inheritance. Observed: 1 variant allele, 1 heterozygote.
Comment: This study involves interpretation of variants in research participants for the purpose of population health screening. Participant phenotype was not available at the time of variant classification. Additional details can be found in publication PMID: 35346344, PMCID: PMC8962531

NM_001035.3(RYR2):c.1218G>T (p.Ser406=)

Gene: RYR2 (ryanodine receptor 2; plus strand). Cytogenetic location: 1q43.
Variant type: single nucleotide variant.
Coding change: c.1218G>T on transcript NM_001035.3 (MANE Select); coding-DNA position 1218, G replaced by T.
Protein change: p.Ser406=; no amino-acid change (serine 406 retained).
Molecular consequence: synonymous variant.
Genome position (GRCh38, 1-based): chr1:237,445,448, G>T. VCF-style: chr1-237445448-G-T. GRCh37 (hg19) VCF-style: chr1-237608748-G-T.
Identifiers: ClinVar variation 3385668 (VCV003385668.1).